The following is an entry in ClinVar:

ClinVar aggregate classification (germline): Likely benign. Review status: criteria provided, multiple submitters, no conflicts (2 of 4 stars). 2 submissions from 2 submitters: Likely benign (2). Last evaluated 2018-06-19.

Allele frequency attached by ClinVar (database versions not stated): gnomAD 0.01044 and 0.00989; 1000 Genomes Project 30x 0.01353; gnomAD exomes 0.00147; TOPMed 0.01198; 1000 Genomes Project 0.01086.

Submissions (2):

GeneDx
Classification: Likely benign. Last evaluated: 2018-06-19. Review status: criteria provided, single submitter. Criteria: GeneDx Variant Classification (06012015). Collection method: clinical testing. Allele origin: germline. Affected: yes.
Comment: This variant is considered likely benign or benign based on one or more of the following criteria: it is a conservative change, it occurs at a poorly conserved position in the protein, it is predicted to be benign by multiple in silico algorithms, and/or has population frequency not consistent with disease.

Breakthrough Genomics
Classification: Likely benign. Review status: criteria provided, single submitter. Criteria: ACMG Guidelines, 2015. Collection method: not provided. Allele origin: germline. Inheritance: X-linked inheritance. Affected: yes.

NM_005765.2(ATP6AP2):c.-283G>T

Genes: ATP6AP2 (ATPase H+ transporting accessory protein 2; plus strand), LOC130068148 (ATAC-STARR-seq lymphoblastoid active region 29547; plus strand). Cytogenetic location: Xp11.4.
Variant type: single nucleotide variant.
Coding change: c.-283G>T on transcript NM_005765.2; 283 bases upstream of the start codon, G replaced by T.
Genome position (GRCh38, 1-based): chrX:40,580,783, G>T. VCF-style: chrX-40580783-G-T. GRCh37 (hg19) VCF-style: chrX-40440035-G-T.
Identifiers: ClinVar variation 674230 (VCV000674230.4), dbSNP rs181188218, ClinGen allele CA328980518.